The following is an entry in ClinVar:

NM_194248.3(OTOF):c.3226T>C (p.Tyr1076His)

Gene: OTOF (otoferlin; minus strand). Cytogenetic location: 2p23.3.
Variant type: single nucleotide variant.
Coding change: c.3226T>C on transcript NM_194248.3 (MANE Select); coding-DNA position 3226, T replaced by C.
Protein change: p.Tyr1076His; replaces tyrosine 1076 with histidine.
Molecular consequence: missense variant.
Genome position (GRCh38, 1-based): chr2:26,474,575, A>G on the plus strand (T>C on the coding strand, the complement: OTOF is on the minus strand). VCF-style: chr2-26474575-A-G. GRCh37 (hg19) VCF-style: chr2-26697443-A-G.
Other names: c.3226T>C, p.Tyr1076His (NM_001287489.2); c.985T>C, p.Tyr329His (NM_004802.4, NM_194323.3); c.1156T>C, p.Tyr386His (NM_194322.3); short protein forms Y1076H, Y386H, Y329H.
Identifiers: ClinVar variation 667296 (VCV000667296.9), dbSNP rs150782952, ClinGen allele CA1563624.

ClinVar aggregate classification (germline): Conflicting classifications of pathogenicity. Review status: criteria provided, conflicting classifications (1 of 4 stars). 4 submissions from 4 submitters: Uncertain significance (3); Likely benign (1). Last evaluated 2024-11-01.

Conditions:
Inborn genetic diseases. Identifiers: MedGen C0950123, MeSH D030342.

Allele frequency attached by ClinVar (database versions not stated): gnomAD 0.00002 and 0.00003; gnomAD exomes 0.00003 and 0.00006; TOPMed 0.00003; ExAC 0.00007; ESP Exome Variant Server 0.00008.
gnomAD v4.1: 48 of 1,613,058 alleles (0.003%); highest among the groups gnomAD compares: Middle Eastern, 0.049%; no homozygotes.

Submissions (4):

Labcorp Genetics (formerly Invitae), Labcorp
Classification: Likely benign. Last evaluated: 2024-11-01. Review status: criteria provided, single submitter. Criteria: Invitae Variant Classification Sherloc (09022015). Collection method: clinical testing. Allele origin: germline.

Ambry Genetics
Classification: Uncertain significance for Inborn genetic diseases. Last evaluated: 2023-12-27. Review status: criteria provided, single submitter. Criteria: Ambry Variant Classification Scheme 2023. Collection method: clinical testing. Allele origin: germline.

Laboratory for Molecular Medicine, Mass General Brigham Personalized Medicine
Classification: Uncertain significance. Last evaluated: 2018-04-12. Review status: criteria provided, single submitter. Criteria: LMM Criteria. Collection method: clinical testing. Allele origin: germline. Observed: 1 variant allele.
Comment: The p.Tyr1076His variant in OTOF has not been previously reported in individuals with hearing loss, but has been identified in 0.01% (13/126246) of European chr omosomes by the Genome Aggregation Database (gnomAD; dbSNP rs150782952). Although this variant has been seen in the general po pulation, its frequency is not high enough to rule out a pathogenic role. Comput ational prediction tools and conservation analyses suggest that this variant may impact the protein, though this information is not predictive enough to determi ne pathogenicity. In summary, the clinical significance of the p.Tyr1076His vari ant is uncertain. ACMG/AMP Criteria applied: PP3.

Breakthrough Genomics
Classification: Uncertain significance. Review status: criteria provided, single submitter. Criteria: ACMG Guidelines, 2015. Collection method: not provided. Allele origin: germline. Inheritance: Autosomal recessive inheritance. Affected: yes.